The following is an entry in ClinVar:

NM_145239.3(PRRT2):c.278G>A (p.Gly93Glu)

Genes: MVP-DT (MVP divergent transcript; minus strand), PRRT2 (proline rich transmembrane protein 2; plus strand). Cytogenetic location: 16p11.2.
Variant type: single nucleotide variant.
Coding change: c.278G>A on transcript NM_145239.3 (MANE Select); coding-DNA position 278, G replaced by A.
Protein change: p.Gly93Glu; replaces glycine 93 with glutamic acid.
Molecular consequence: missense variant.
Genome position (GRCh38, 1-based): chr16:29,813,332, G>A. VCF-style: chr16-29813332-G-A. GRCh37 (hg19) VCF-style: chr16-29824653-G-A.
Other names: c.278G>A, p.Gly93Glu (NM_001256442.2, NM_001256443.2); short protein forms G93E.
Identifiers: ClinVar variation 3709316 (VCV003709316.2).

ClinVar aggregate classification (germline): Uncertain significance (1 of 4 stars; one submission).

Conditions:
Episodic kinesigenic dyskinesia (EKD). Also called: Paroxysmal kinesigenic dyskinesia. Identifiers: Orphanet 98809, MedGen C1868682, MONDO:0044202.

gnomAD v4.1: 1 of 1,614,116 alleles (0.000062%); highest among the groups gnomAD compares: Non-Finnish European, 0.000085%; no homozygotes.

Submission:

Labcorp Genetics (formerly Invitae), Labcorp
Classification: Uncertain significance for Episodic kinesigenic dyskinesia. Last evaluated: 2024-05-14. Review status: criteria provided, single submitter. Criteria: Invitae Variant Classification Sherloc (09022015). Collection method: clinical testing. Allele origin: germline.
Comment: This sequence change replaces glycine, which is neutral and non-polar, with glutamic acid, which is acidic and polar, at codon 93 of the PRRT2 protein (p.Gly93Glu). This variant is not present in population databases (gnomAD no frequency). This variant has not been reported in the literature in individuals affected with PRRT2-related conditions. Advanced modeling of protein sequence and biophysical properties (such as structural, functional, and spatial information, amino acid conservation, physicochemical variation, residue mobility, and thermodynamic stability) performed at Invitae indicates that this missense variant is not expected to disrupt PRRT2 protein function with a negative predictive value of 95%. In summary, the available evidence is currently insufficient to determine the role of this variant in disease. Therefore, it has been classified as a Variant of Uncertain Significance.